The following is an entry in ClinVar:

ClinVar aggregate classification (germline): Conflicting classifications of pathogenicity. Review status: criteria provided, conflicting classifications (1 of 4 stars). 3 submissions from 3 submitters: Uncertain significance (1); Likely benign (1). 1 of the submissions does not count toward it. Last evaluated 2024-04-10.

Conditions:
ITGB4-related disorder. Also called: ITGB4-related condition.
Junctional epidermolysis bullosa with pyloric atresia. Also called: EPIDERMOLYSIS BULLOSA, JUNCTIONAL 5B, WITH PYLORIC ATRESIA; Junctional Epidermolysis Bullosa- Pyloric Atresia Syndrome; APLASIA CUTIS CONGENITA WITH GASTROINTESTINAL ATRESIA; CARMI SYNDROME; EB-PA-ACC; ITGB4-Related Epidermolysis Bullosa with Pyloric Atresia. Identifiers: Orphanet 79403, MedGen C5676875, MONDO:0009183, OMIM 226730.

Allele frequency attached by ClinVar (database versions not stated): gnomAD exomes 0.00015; gnomAD 0.00013; ESP Exome Variant Server 0.00023; ExAC 0.00015; TOPMed 0.00025.
gnomAD v4.1: 413 of 1,611,192 alleles (0.026%); highest among the groups gnomAD compares: Non-Finnish European, 0.03%; no homozygotes.

Submissions (3):

Labcorp Genetics (formerly Invitae), Labcorp
Classification: Likely benign. Last evaluated: 2024-04-10. Review status: criteria provided, single submitter. Criteria: Invitae Variant Classification Sherloc (09022015). Collection method: clinical testing. Allele origin: germline.

Illumina Laboratory Services, Illumina
Classification: Uncertain significance for Junctional epidermolysis bullosa with pyloric atresia. Last evaluated: 2018-01-13. Review status: criteria provided, single submitter. Criteria: ICSL Variant Classification Criteria 13 December 2019. Collection method: clinical testing. Allele origin: germline.

PreventionGenetics, part of Exact Sciences
Classification: Likely benign for ITGB4-related condition. Last evaluated: 2022-12-19. Review status: no assertion criteria provided. Collection method: clinical testing. Allele origin: germline. Not counted in ClinVar's aggregate classification.
Comment: This variant is classified as likely benign based on ACMG/AMP sequence variant interpretation guidelines (Richards et al. 2015 PMID: 25741868, with internal and published modifications).

NM_000213.5(ITGB4):c.5229G>A (p.Pro1743=)

Genes: GALK1 (galactokinase 1; minus strand), ITGB4 (integrin subunit beta 4; plus strand). Cytogenetic location: 17q25.1.
Variant type: single nucleotide variant.
Coding change: c.5229G>A on transcript NM_000213.5 (MANE Select); coding-DNA position 5229, G replaced by A.
Protein change: p.Pro1743=; no amino-acid change (proline 1743 retained).
Molecular consequence: synonymous variant. On other transcripts: intron variant (1).
Genome position (GRCh38, 1-based): chr17:75,757,210, G>A. VCF-style: chr17-75757210-G-A. GRCh37 (hg19) VCF-style: chr17-73753291-G-A.
Other names: c.5178G>A, p.Pro1726= (NM_001005619.2); c.5019G>A, p.Pro1673= (NM_001005731.3, NM_001321123.2); c.4869G>A, p.Pro1623= (NM_001438834.1); c.*22+824C>T (NM_001381985.1).
Identifiers: ClinVar variation 325215 (VCV000325215.12), dbSNP rs140140182, ClinGen allele CA8770525.